The following is an entry in ClinVar:

NM_015046.7(SETX):c.6926G>A (p.Arg2309Gln)

Gene: SETX (senataxin; minus strand). Cytogenetic location: 9q34.13.
Variant type: single nucleotide variant.
Coding change: c.6926G>A on transcript NM_015046.7 (MANE Select); coding-DNA position 6926, G replaced by A.
Protein change: p.Arg2309Gln; replaces arginine 2309 with glutamine.
Molecular consequence: missense variant.
Genome position (GRCh38, 1-based): chr9:132,277,069, C>T on the plus strand (G>A on the coding strand, the complement: SETX is on the minus strand). VCF-style: chr9-132277069-C-T. GRCh37 (hg19) VCF-style: chr9-135152456-C-T.
Other names: c.6926G>A, p.Arg2309Gln (NM_001351527.2, NM_001351528.2); short protein forms R2309Q.
Identifiers: ClinVar variation 1756185 (VCV001756185.4), dbSNP rs775185796, ClinGen allele CA5296578.

ClinVar aggregate classification (germline): Conflicting classifications of pathogenicity. Review status: criteria provided, conflicting classifications (1 of 4 stars). 2 submissions from 2 submitters: Uncertain significance (1); Benign (1). Last evaluated 2024-04-30.

Conditions:
Inborn genetic diseases. Identifiers: MedGen C0950123, MeSH D030342.
Spinocerebellar ataxia, autosomal recessive, with axonal neuropathy 2 (SCAN2). Also called: ATAXIA-OCULOMOTOR APRAXIA 2; Ataxia-ocular apraxia-2; Ataxia with Oculomotor Apraxia Type 2; Ataxia with Oculomotor Apraxia. Identifiers: Orphanet 64753, MedGen C1853761, MONDO:0018996, OMIM 606002.
Amyotrophic lateral sclerosis type 4 (ALS4). Also called: AMYOTROPHIC LATERAL SCLEROSIS 4, JUVENILE; NEURONOPATHY, DISTAL HEREDITARY MOTOR, WITH PYRAMIDAL FEATURES. Identifiers: Orphanet 357043, MedGen C1865409, MONDO:0011223, OMIM 602433.

Allele frequency attached by ClinVar (database versions not stated): ExAC 0.00002.
gnomAD v4.1: 10 of 1,613,414 alleles (0.00062%); highest among the groups gnomAD compares: South Asian, 0.0022%; no homozygotes.

Submissions (2):

Labcorp Genetics (formerly Invitae), Labcorp
Classification: Benign for Amyotrophic lateral sclerosis type 4; Spinocerebellar ataxia, autosomal recessive, with axonal neuropathy 2. Last evaluated: 2024-04-30. Review status: criteria provided, single submitter. Criteria: Invitae Variant Classification Sherloc (09022015). Collection method: clinical testing. Allele origin: germline.

Ambry Genetics
Classification: Uncertain significance for Inborn genetic diseases. Last evaluated: 2019-10-01. Review status: criteria provided, single submitter. Criteria: Ambry Variant Classification Scheme 2023. Collection method: clinical testing. Allele origin: germline.
Comment: The p.R2309Q variant (also known as c.6926G>A), located in coding exon 20 of the SETX gene, results from a G to A substitution at nucleotide position 6926. The arginine at codon 2309 is replaced by glutamine, an amino acid with highly similar properties. This amino acid position is well conserved in available vertebrate species. In addition, this alteration is predicted to be tolerated by in silico analysis. Since supporting evidence is limited at this time, the clinical significance of this alteration remains unclear.